The following is an entry in ClinVar:

NM_001101362.3(KBTBD13):c.439G>A (p.Ala147Thr)

Gene: KBTBD13 (kelch repeat and BTB domain containing 13; plus strand). Cytogenetic location: 15q22.31.
Variant type: single nucleotide variant.
Coding change: c.439G>A on transcript NM_001101362.3 (MANE Select); coding-DNA position 439, G replaced by A.
Protein change: p.Ala147Thr; replaces alanine 147 with threonine.
Molecular consequence: missense variant.
Genome position (GRCh38, 1-based): chr15:65,077,254, G>A. VCF-style: chr15-65077254-G-A. GRCh37 (hg19) VCF-style: chr15-65369592-G-A.
Other names: short protein forms A147T.
Identifiers: ClinVar variation 2908143 (VCV002908143.3), dbSNP rs1194221829, ClinGen allele CA392860746.

ClinVar aggregate classification (germline): Uncertain significance (1 of 4 stars; one submission).

Conditions:
Nemaline myopathy 6 (NEM6). Also called: Nemaline myopathy 6, autosomal dominant. Identifiers: Orphanet 171439, MedGen C1836472, MONDO:0012237, OMIM 609273.

Allele frequency attached by ClinVar (database versions not stated): gnomAD 0.00002; TOPMed 0.00003.
gnomAD v4.1: 39 of 1,408,982 alleles (0.0028%); highest among the groups gnomAD compares: Non-Finnish European, 0.0029%; no homozygotes.

Submission:

Labcorp Genetics (formerly Invitae), Labcorp
Classification: Uncertain significance for Nemaline myopathy 6. Last evaluated: 2023-09-15. Review status: criteria provided, single submitter. Criteria: Invitae Variant Classification Sherloc (09022015). Collection method: clinical testing. Allele origin: germline.
Comment: In summary, the available evidence is currently insufficient to determine the role of this variant in disease. Therefore, it has been classified as a Variant of Uncertain Significance. Advanced modeling of protein sequence and biophysical properties (such as structural, functional, and spatial information, amino acid conservation, physicochemical variation, residue mobility, and thermodynamic stability) performed at Invitae indicates that this missense variant is not expected to disrupt KBTBD13 protein function. This variant has not been reported in the literature in individuals affected with KBTBD13-related conditions. This variant is not present in population databases (gnomAD no frequency). This sequence change replaces alanine, which is neutral and non-polar, with threonine, which is neutral and polar, at codon 147 of the KBTBD13 protein (p.Ala147Thr).